The following is an entry in ClinVar:

NM_006231.4(POLE):c.512C>T (p.Ser171Phe)

Gene: POLE (DNA polymerase epsilon, catalytic subunit; minus strand). Cytogenetic location: 12q24.33.
Variant type: single nucleotide variant.
Coding change: c.512C>T on transcript NM_006231.4 (MANE Select); coding-DNA position 512, C replaced by T.
Protein change: p.Ser171Phe; replaces serine 171 with phenylalanine.
Molecular consequence: missense variant.
Genome position (GRCh38, 1-based): chr12:132,679,563, G>A on the plus strand (C>T on the coding strand, the complement: POLE is on the minus strand). VCF-style: chr12-132679563-G-A. GRCh37 (hg19) VCF-style: chr12-133256149-G-A.
Other names: c.512C>T (NM_006231.2); short protein forms S171F.
Identifiers: ClinVar variation 1008679 (VCV001008679.9), dbSNP rs2043123482, ClinGen allele CA387367061.

ClinVar aggregate classification (germline): Conflicting classifications of pathogenicity. Review status: criteria provided, conflicting classifications (1 of 4 stars). 2 submissions from 2 submitters: Uncertain significance (1); Likely benign (1). Last evaluated 2025-05-30.

Conditions:
Hereditary cancer-predisposing syndrome. Also called: Tumor predisposition; Hereditary neoplastic syndrome; Neoplastic Syndromes, Hereditary; Hereditary Cancer Syndrome. Identifiers: Orphanet 140162, MedGen C0027672, MeSH D009386, MONDO:0015356.

Allele frequency attached by ClinVar (database versions not stated): gnomAD exomes below 0.00001.
gnomAD v4.1: 2 of 1,614,050 alleles (0.00012%); highest among the groups gnomAD compares: East Asian, 0.0022%; no homozygotes.

Submissions (2):

Labcorp Genetics (formerly Invitae), Labcorp
Classification: Uncertain significance. Last evaluated: 2025-05-30. Review status: criteria provided, single submitter. Criteria: Invitae Variant Classification Sherloc (09022015). Collection method: clinical testing. Allele origin: germline.
Comment: This sequence change replaces serine, which is neutral and polar, with phenylalanine, which is neutral and non-polar, at codon 171 of the POLE protein (p.Ser171Phe). This variant is not present in population databases (gnomAD no frequency). This variant has not been reported in the literature in individuals affected with POLE-related conditions. ClinVar contains an entry for this variant (Variation ID: 1008679). Invitae Evidence Modeling of protein sequence and biophysical properties (such as structural, functional, and spatial information, amino acid conservation, physicochemical variation, residue mobility, and thermodynamic stability) indicates that this missense variant is not expected to disrupt POLE protein function with a negative predictive value of 80%. In summary, the available evidence is currently insufficient to determine the role of this variant in disease. Therefore, it has been classified as a Variant of Uncertain Significance.

Ambry Genetics
Classification: Likely benign for Hereditary cancer-predisposing syndrome. Last evaluated: 2025-01-10. Review status: criteria provided, single submitter. Criteria: Ambry Variant Classification Scheme 2023. Collection method: clinical testing. Allele origin: germline.